The following is an entry in ClinVar:

ClinVar aggregate classification (germline): Uncertain significance (1 of 4 stars; one submission).

gnomAD v4.1: 4 of 1,613,670 alleles (0.00025%); highest among the groups gnomAD compares: Non-Finnish European, 0.00034%; no homozygotes.

Submission:

GeneDx
Classification: Uncertain significance. Last evaluated: 2020-01-21. Review status: criteria provided, single submitter. Criteria: GeneDx Variant Classification Process June 2021. Collection method: clinical testing. Allele origin: germline. Affected: yes.
Comment: Not observed at a significant frequency in large population cohorts (Lek et al., 2016); In silico analysis, which includes protein predictors and evolutionary conservation, supports a deleterious effect; Has not been previously published as pathogenic or benign to our knowledge

NM_052867.4(NALCN):c.2929C>T (p.Pro977Ser)

Gene: NALCN (sodium leak channel, non-selective; minus strand). Cytogenetic location: 13q33.1.
Variant type: single nucleotide variant.
Coding change: c.2929C>T on transcript NM_052867.4 (MANE Select); coding-DNA position 2929, C replaced by T.
Protein change: p.Pro977Ser; replaces proline 977 with serine.
Molecular consequence: missense variant.
Genome position (GRCh38, 1-based): chr13:101,103,300, G>A on the plus strand (C>T on the coding strand, the complement: NALCN is on the minus strand). VCF-style: chr13-101103300-G-A. GRCh37 (hg19) VCF-style: chr13-101755651-G-A.
Other names: c.3016C>T, p.Pro1006Ser (NM_001350748.2); c.2929C>T, p.Pro977Ser (NM_001350749.2); c.2842C>T, p.Pro948Ser (NM_001350750.2, NM_001350751.2); short protein forms P1006S, P948S, P977S.
Identifiers: ClinVar variation 1315169 (VCV001315169.2), dbSNP rs773607307, ClinGen allele CA388669379.
Genomic context (GRCh38, chr13:101,103,300, plus strand): 5'-ATATGCGCAGAGGTCTCAGGCACCGAAGGACCATTAGAAGCTGAGCTCCCGATTCAGCAG[G>A]TACATTTTGAGGCATCCAACAAAGAAATATCAAGCTCACCTAAAGGGGAACAAATGATCT-3'
Protein context (NP_443099.1, residues 967-987): IFLCWMPQNV[Pro977Ser]AESGAQLLMV